The following is an entry in ClinVar:

ClinVar aggregate classification (germline): Uncertain significance. Review status: criteria provided, multiple submitters, no conflicts (2 of 4 stars). 3 submissions from 3 submitters: Uncertain significance (3). Last evaluated 2024-02-29.

Conditions:
Infantile liver failure syndrome 3. Identifiers: MedGen C5231437, MONDO:0032844, OMIM 618641.

Allele frequency attached by ClinVar (database versions not stated): gnomAD exomes below 0.00001; ExAC 0.00001; gnomAD 0.00003; TOPMed 0.00003.
gnomAD v4.1: 10 of 1,613,154 alleles (0.00062%); highest among the groups gnomAD compares: African/African-American, 0.0093%; no homozygotes.

Submissions (3):

Fulgent Genetics
Classification: Uncertain significance for Infantile liver failure syndrome 3. Last evaluated: 2024-02-29. Review status: criteria provided, single submitter. Criteria: ACMG Guidelines, 2015. Collection method: clinical testing. Allele origin: germline.

Labcorp Genetics (formerly Invitae), Labcorp
Classification: Uncertain significance. Last evaluated: 2023-10-17. Review status: criteria provided, single submitter. Criteria: Invitae Variant Classification Sherloc (09022015). Collection method: clinical testing. Allele origin: germline.
Comment: This sequence change replaces leucine, which is neutral and non-polar, with valine, which is neutral and non-polar, at codon 107 of the RINT1 protein (p.Leu107Val). This variant is present in population databases (rs761546100, gnomAD 0.004%). This missense change has been observed in individual(s) with breast cancer (PMID: 25050558). ClinVar contains an entry for this variant (Variation ID: 1042688). An algorithm developed to predict the effect of missense changes on protein structure and function (PolyPhen-2) suggests that this variant is likely to be disruptive. In summary, the available evidence is currently insufficient to determine the role of this variant in disease. Therefore, it has been classified as a Variant of Uncertain Significance.

Ambry Genetics
Classification: Uncertain significance. Last evaluated: 2023-08-04. Review status: criteria provided, single submitter. Criteria: Ambry Variant Classification Scheme 2023. Collection method: clinical testing. Allele origin: germline.
Comment: The p.L107V variant (also known as c.319T>G), located in coding exon 4 of the RINT1 gene, results from a T to G substitution at nucleotide position 319. The leucine at codon 107 is replaced by valine, an amino acid with highly similar properties. This amino acid position is highly conserved in available vertebrate species. In addition, this alteration is predicted to be tolerated by in silico analysis. The evidence for this gene-disease relationship is limited; therefore, the clinical significance of this alteration is unclear.

Literature cited by the submitters: PubMed 25050558 (cited by Labcorp Genetics (formerly Invitae), Labcorp).

NM_021930.6(RINT1):c.319T>G (p.Leu107Val)

Gene: RINT1 (RAD50 interactor 1; plus strand). Cytogenetic location: 7q22.3.
Variant type: single nucleotide variant.
Coding change: c.319T>G on transcript NM_021930.6 (MANE Select); coding-DNA position 319, T replaced by G.
Protein change: p.Leu107Val; replaces leucine 107 with valine.
Molecular consequence: missense variant. On other transcripts: 5 prime UTR variant (3), non-coding transcript variant (1).
Genome position (GRCh38, 1-based): chr7:105,542,453, T>G. VCF-style: chr7-105542453-T-G. GRCh37 (hg19) VCF-style: chr7-105182900-T-G.
Other names: c.85T>G, p.Leu29Val (NM_001346599.2); c.-701T>G (NM_001346600.2); c.-604T>G (NM_001346601.2); c.-224T>G (NM_001346603.2); c.319T>G (NM_021930.4); short protein forms L29V, L107V.
Identifiers: ClinVar variation 1042688 (VCV001042688.11), dbSNP rs761546100, ClinGen allele CA4426402.